The following is an entry in ClinVar:

NM_019892.6(INPP5E):c.1126T>C (p.Phe376Leu)

Gene: INPP5E (inositol polyphosphate-5-phosphatase E; minus strand). Cytogenetic location: 9q34.3.
Variant type: single nucleotide variant.
Coding change: c.1126T>C on transcript NM_019892.6 (MANE Select); coding-DNA position 1126, T replaced by C.
Protein change: p.Phe376Leu; replaces phenylalanine 376 with leucine.
Molecular consequence: missense variant.
Genome position (GRCh38, 1-based): chr9:136,433,188, A>G on the plus strand (T>C on the coding strand, the complement: INPP5E is on the minus strand). VCF-style: chr9-136433188-A-G. GRCh37 (hg19) VCF-style: chr9-139327640-A-G.
Other names: c.1126T>C (NM_019892.5); c.1126T>C, p.Phe376Leu (NM_001318502.2); short protein forms F376L.
Identifiers: ClinVar variation 1377575 (VCV001377575.7), dbSNP rs1835753606, ClinGen allele CA375564253.

ClinVar aggregate classification (germline): Uncertain significance. Review status: criteria provided, multiple submitters, no conflicts (2 of 4 stars). 2 submissions from 2 submitters: Uncertain significance (2). Last evaluated 2025-08-07.

Conditions:
INPP5E-related disorder. Also called: INPP5E-related condition.
Joubert syndrome. Also called: Familial aplasia of the vermis; JOUBERT-BOLTSHAUSER SYNDROME. Identifiers: Orphanet 475, MedGen C5979921, MONDO:0018772.

Allele frequency attached by ClinVar (database versions not stated): TOPMed below 0.00001; gnomAD 0.00001.

Submissions (2):

PreventionGenetics, part of Exact Sciences
Classification: Uncertain significance for INPP5E-related condition. Last evaluated: 2025-08-07. Review status: criteria provided, single submitter. Criteria: ACMG Guidelines, 2015. Collection method: clinical testing. Allele origin: germline.
Comment: The INPP5E c.1126T>C variant is predicted to result in the amino acid substitution p.Phe376Leu. To our knowledge, this variant has not been reported in the literature or in a large population database (gnomAD), indicating this variant is rare. At this time, the clinical significance of this variant is uncertain due to the absence of conclusive functional and genetic evidence.

Labcorp Genetics (formerly Invitae), Labcorp
Classification: Uncertain significance for Joubert syndrome. Last evaluated: 2022-03-10. Review status: criteria provided, single submitter. Criteria: Invitae Variant Classification Sherloc (09022015). Collection method: clinical testing. Allele origin: germline.
Comment: In summary, the available evidence is currently insufficient to determine the role of this variant in disease. Therefore, it has been classified as a Variant of Uncertain Significance. Algorithms developed to predict the effect of sequence changes on RNA splicing suggest that this variant may disrupt the consensus splice site. Algorithms developed to predict the effect of missense changes on protein structure and function output the following: SIFT: "Tolerated"; PolyPhen-2: "Possibly Damaging"; Align-GVGD: "Class C0". The leucine amino acid residue is found in multiple mammalian species, which suggests that this missense change does not adversely affect protein function. This variant has not been reported in the literature in individuals affected with INPP5E-related conditions. This variant is not present in population databases (gnomAD no frequency). This sequence change replaces phenylalanine, which is neutral and non-polar, with leucine, which is neutral and non-polar, at codon 376 of the INPP5E protein (p.Phe376Leu).